The following is an entry in ClinVar:

NM_017871.6(INTS11):c.1401G>C (p.Gln467His)

Gene: INTS11 (integrator complex subunit 11; minus strand). Cytogenetic location: 1p36.33.
Variant type: single nucleotide variant.
Coding change: c.1401G>C on transcript NM_017871.6 (MANE Select); coding-DNA position 1401, G replaced by C.
Protein change: p.Gln467His; replaces glutamine 467 with histidine.
Molecular consequence: missense variant.
Genome position (GRCh38, 1-based): chr1:1,312,594, C>G on the plus strand (G>C on the coding strand, the complement: INTS11 is on the minus strand). VCF-style: chr1-1312594-C-G. GRCh37 (hg19) VCF-style: chr1-1247974-C-G.
Other names: c.1419G>C, p.Gln473His (NM_001256456.2); c.1314G>C, p.Gln438His (NM_001256460.2); c.1107G>C, p.Gln369His (NM_001256462.2); c.1098G>C, p.Gln366His (NM_001256463.2); c.1419G>C (NM_001256456.1); short protein forms Q366H, Q467H, Q473H, Q369H, Q438H.
Identifiers: ClinVar variation 3110088 (VCV003110088.2), dbSNP rs1372449120, ClinGen allele CA337790315.

ClinVar aggregate classification (germline): Uncertain significance. Review status: criteria provided, multiple submitters, no conflicts (2 of 4 stars). 2 submissions from 2 submitters: Uncertain significance (2). Last evaluated 2024-05-13.

Allele frequency attached by ClinVar (database versions not stated): TOPMed below 0.00001; gnomAD 0.00001.
gnomAD v4.1: 23 of 1,573,926 alleles (0.0015%); highest among the groups gnomAD compares: Non-Finnish European, 0.002%; no homozygotes.

Submissions (2):

GeneDx
Classification: Uncertain significance. Last evaluated: 2024-05-13. Review status: criteria provided, single submitter. Criteria: GeneDx Variant Classification Process June 2021. Collection method: clinical testing. Allele origin: germline. Affected: yes.
Comment: Not observed at significant frequency in large population cohorts (gnomAD); In silico analysis indicates that this missense variant does not alter protein structure/function; Has not been previously published as pathogenic or benign to our knowledge

Ambry Genetics
Classification: Uncertain significance. Last evaluated: 2022-09-14. Review status: criteria provided, single submitter. Criteria: Ambry Variant Classification Scheme 2023. Collection method: clinical testing. Allele origin: germline.